The following is an entry in ClinVar:

ClinVar aggregate classification (germline): Conflicting classifications of pathogenicity. Review status: criteria provided, conflicting classifications (1 of 4 stars). 4 submissions from 4 submitters: Uncertain significance (3); Likely benign (1). Last evaluated 2025-03-22.

Conditions:
Cystinuria (CSNU). Also called: CYSTINURIA, TYPE I; CYSTINURIA, TYPE II; CYSTINURIA, TYPE III; Cystinuria, non-type I. Identifiers: Orphanet 214, MedGen C0010691, MONDO:0009067, OMIM 220100, HP:0003131.

Allele frequency attached by ClinVar (database versions not stated): gnomAD 0.00002; TOPMed 0.00005; ExAC 0.00008; ESP Exome Variant Server 0.00008; gnomAD exomes 0.00008; 1000 Genomes Project 30x 0.00016; 1000 Genomes Project 0.00020.
gnomAD v4.1: 121 of 1,613,490 alleles (0.0075%); highest among the groups gnomAD compares: Non-Finnish European, 0.0092%; no homozygotes.

Submissions (4):

Labcorp Genetics (formerly Invitae), Labcorp
Classification: Uncertain significance. Last evaluated: 2025-03-22. Review status: criteria provided, single submitter. Criteria: Invitae Variant Classification Sherloc (09022015). Collection method: clinical testing. Allele origin: germline.
Comment: This sequence change replaces threonine, which is neutral and polar, with methionine, which is neutral and non-polar, at codon 77 of the SLC7A9 protein (p.Thr77Met). This variant is present in population databases (rs375205018, gnomAD 0.01%). This missense change has been observed in individual(s) with cystinuria (PMID: 37217505). ClinVar contains an entry for this variant (Variation ID: 2649690). Invitae Evidence Modeling of protein sequence and biophysical properties (such as structural, functional, and spatial information, amino acid conservation, physicochemical variation, residue mobility, and thermodynamic stability) indicates that this missense variant is not expected to disrupt SLC7A9 protein function with a negative predictive value of 80%. In summary, the available evidence is currently insufficient to determine the role of this variant in disease. Therefore, it has been classified as a Variant of Uncertain Significance.

Blueprint Genetics
Classification: Uncertain significance. Last evaluated: 2024-11-04. Review status: criteria provided, single submitter. Criteria: ACMG Guidelines, 2015. Collection method: clinical testing. Allele origin: germline.

Fulgent Genetics
Classification: Uncertain significance for Cystinuria. Last evaluated: 2024-01-29. Review status: criteria provided, single submitter. Criteria: ACMG Guidelines, 2015. Collection method: clinical testing. Allele origin: germline.

CeGaT Center for Human Genetics Tuebingen
Classification: Likely benign. Last evaluated: 2023-01-01. Review status: criteria provided, single submitter. Criteria: CeGaT Center For Human Genetics Tuebingen Variant Classification Criteria Version 2. Collection method: clinical testing. Allele origin: germline. Affected: yes. Observed: 1 variant allele.
Comment: SLC7A9: BP4

Literature cited by the submitters: PubMed 37217505 (cited by Labcorp Genetics (formerly Invitae), Labcorp).

NM_014270.5(SLC7A9):c.230C>T (p.Thr77Met)

Gene: SLC7A9 (solute carrier family 7 member 9; minus strand). Cytogenetic location: 19q13.11.
Variant type: single nucleotide variant.
Coding change: c.230C>T on transcript NM_014270.5 (MANE Select); coding-DNA position 230, C replaced by T.
Protein change: p.Thr77Met; replaces threonine 77 with methionine.
Molecular consequence: missense variant.
Genome position (GRCh38, 1-based): chr19:32,864,634, G>A on the plus strand (C>T on the coding strand, the complement: SLC7A9 is on the minus strand). VCF-style: chr19-32864634-G-A. GRCh37 (hg19) VCF-style: chr19-33355540-G-A.
Other names: c.230C>T, p.Thr77Met (NM_001126335.2, NM_001243036.2); short protein forms T77M.
Identifiers: ClinVar variation 2649690 (VCV002649690.27), dbSNP rs375205018, ClinGen allele CA9358910.